The following is an entry in ClinVar:

NM_001378183.1(PIEZO2):c.8161+5G>C

Gene: PIEZO2 (piezo type mechanosensitive ion channel component 2; minus strand). Cytogenetic location: 18p11.22.
Variant type: single nucleotide variant.
Coding change: c.8161+5G>C on transcript NM_001378183.1 (MANE Select); 5 bases into the intron after coding-DNA position 8161, G replaced by C.
Molecular consequence: intron variant.
Genome position (GRCh38, 1-based): chr18:10,675,204, C>G on the plus strand (G>C on the coding strand, the complement: PIEZO2 is on the minus strand). VCF-style: chr18-10675204-C-G. GRCh37 (hg19) VCF-style: chr18-10675201-C-G.
Other names: c.7822+5G>C (NM_022068.4); c.7897+5G>C (NM_001410871.1).
Identifiers: ClinVar variation 3252164 (VCV003252164.1), dbSNP rs2033940265.

ClinVar aggregate classification (germline): Uncertain significance (1 of 4 stars; one submission).

Allele frequency attached by ClinVar (database versions not stated): TOPMed 0.00001.

Submission:

GeneDx
Classification: Uncertain significance. Last evaluated: 2023-08-18. Review status: criteria provided, single submitter. Criteria: GeneDx Variant Classification Process June 2021. Collection method: clinical testing. Allele origin: germline. Affected: yes.
Comment: Not observed at significant frequency in large population cohorts (gnomAD); In silico analysis supports a deleterious effect on splicing; Has not been previously published as pathogenic or benign to our knowledge